The following is an entry in ClinVar:

ClinVar aggregate classification (germline): Uncertain significance (1 of 4 stars; one submission).

Conditions:
Tuberous sclerosis 2 (TSC2). Identifiers: Orphanet 805, MedGen C1860707, MONDO:0013199, OMIM 613254.

Submission:

Labcorp Genetics (formerly Invitae), Labcorp
Classification: Uncertain significance for Tuberous sclerosis 2. Last evaluated: 2019-08-08. Review status: criteria provided, single submitter. Criteria: Invitae Variant Classification Sherloc (09022015). Collection method: clinical testing. Allele origin: germline.
Comment: This variant has not been reported in the literature in individuals with TSC2-related conditions. This variant is not present in population databases (ExAC no frequency). This sequence change replaces valine with alanine at codon 1800 of the TSC2 protein (p.Val1800Ala). The valine residue is highly conserved and there is a small physicochemical difference between valine and alanine. Algorithms developed to predict the effect of missense changes on protein structure and function are either unavailable or do not agree on the potential impact of this missense change (SIFT: "Deleterious"; PolyPhen-2: "Probably Damaging"; Align-GVGD: "Class C0"). In summary, the available evidence is currently insufficient to determine the role of this variant in disease. Therefore, it has been classified as a Variant of Uncertain Significance.

NM_000548.5(TSC2):c.5399T>C (p.Val1800Ala)

Gene: TSC2 (TSC complex subunit 2; plus strand). Cytogenetic location: 16p13.3.
Variant type: single nucleotide variant.
Coding change: c.5399T>C on transcript NM_000548.5 (MANE Select); coding-DNA position 5399, T replaced by C.
Protein change: p.Val1800Ala; replaces valine 1800 with alanine.
Molecular consequence: missense variant.
Genome position (GRCh38, 1-based): chr16:2,088,585, T>C. VCF-style: chr16-2088585-T-C. GRCh37 (hg19) VCF-style: chr16-2138586-T-C.
Other names: c.5198T>C, p.Val1733Ala (NM_001077183.3); c.5330T>C, p.Val1777Ala (NM_001114382.3); c.5090T>C, p.Val1697Ala (NM_001318827.2); c.5054T>C, p.Val1685Ala (NM_001318829.2); c.4667T>C, p.Val1556Ala (NM_001318831.2); c.5231T>C, p.Val1744Ala (NM_001318832.2); c.5201T>C, p.Val1734Ala (NM_001363528.2); c.5267T>C, p.Val1756Ala (NM_001370404.1); and 2 more; short protein forms V1744A, V1800A, V1556A, V1753A, V1697A, V1756A, V1685A, V1733A.
Identifiers: ClinVar variation 949798 (VCV000949798.9), dbSNP rs2091217625, ClinGen allele CA394316150.
Genomic context (GRCh38, chr16:2,088,585, plus strand): 5'-CTCCAGCCGAGCCCACACCTGGCTATGAGGTGGGCCAGCGGAAGCGCCTCATCTCCTCGG[T>C]GGAGGACTTCACCGAGTTTGTGTGAGGCCGGGGCCCTCCCTCCTGCACTGGCCTTGGACG-3'
Protein context (NP_000539.2, residues 1790-1807): VGQRKRLISS[Val1800Ala]EDFTEFV